The following is an entry in ClinVar:

ClinVar aggregate classification (germline): Conflicting classifications of pathogenicity. Review status: criteria provided, conflicting classifications (1 of 4 stars). 4 submissions from 4 submitters: Uncertain significance (3); Likely benign (1). Last evaluated 2023-03-23.

Conditions:
Hereditary breast ovarian cancer syndrome. Also called: Hereditary breast and ovarian cancer syndrome; Hereditary breast and/or ovarian cancer syndrome; Hereditary breast and ovarian cancer syndrome (HBOC); Breast and ovarian cancer; BRCA1- and BRCA2-Associated Hereditary Breast and Ovarian Cancer; Hereditary breast and ovarian cancer. Identifiers: Orphanet 145, MedGen C0677776, MeSH D061325, MONDO:0003582. Disease mechanism: loss of function.
Hereditary cancer-predisposing syndrome. Also called: Neoplastic Syndromes, Hereditary; Hereditary Cancer Syndrome; Tumor predisposition; Hereditary neoplastic syndrome. Identifiers: Orphanet 140162, MedGen C0027672, MeSH D009386, MONDO:0015356.

gnomAD v4.1: 2 of 1,613,958 alleles (0.00012%); highest among the groups gnomAD compares: African/African-American, 0.0027%; no homozygotes.

Submissions (4):

University of Washington Department of Laboratory Medicine, University of Washington
Classification: Likely benign for Hereditary cancer-predisposing syndrome. Last evaluated: 2023-03-23. Review status: criteria provided, single submitter. Criteria: Dines et al. (Genet Med. 2020). Collection method: curation. Allele origin: germline.
Comment: Missense variant in a coldspot region where missense variants are very unlikely to be pathogenic (PMID:31911673).

BRCA2 exon 11 coldspot. Reclassification based on statistical prior probability.

Labcorp Genetics (formerly Invitae), Labcorp
Classification: Uncertain significance for Hereditary breast ovarian cancer syndrome. Last evaluated: 2022-07-30. Review status: criteria provided, single submitter. Criteria: Invitae Variant Classification Sherloc (09022015). Collection method: clinical testing. Allele origin: germline.
Comment: In summary, the available evidence is currently insufficient to determine the role of this variant in disease. Therefore, it has been classified as a Variant of Uncertain Significance. Advanced modeling of protein sequence and biophysical properties (such as structural, functional, and spatial information, amino acid conservation, physicochemical variation, residue mobility, and thermodynamic stability) performed at Invitae indicates that this missense variant is not expected to disrupt BRCA2 protein function. ClinVar contains an entry for this variant (Variation ID: 584511). This variant has not been reported in the literature in individuals affected with BRCA2-related conditions. This variant is not present in population databases (gnomAD no frequency). This sequence change replaces serine, which is neutral and polar, with asparagine, which is neutral and polar, at codon 1203 of the BRCA2 protein (p.Ser1203Asn).

Ambry Genetics
Classification: Uncertain significance for Hereditary cancer-predisposing syndrome. Last evaluated: 2019-09-27. Review status: criteria provided, single submitter. Criteria: Ambry Variant Classification Scheme 2023. Collection method: clinical testing. Allele origin: germline.
Comment: The p.S1203N variant (also known as c.3608G>A), located in coding exon 10 of the BRCA2 gene, results from a G to A substitution at nucleotide position 3608. The serine at codon 1203 is replaced by asparagine, an amino acid with highly similar properties. This amino acid position is not well conserved in available vertebrate species. In addition, this alteration is predicted to be tolerated by in silico analysis. Since supporting evidence is limited at this time, the clinical significance of this alteration remains unclear.

GeneKor MSA
Classification: Uncertain significance for Hereditary cancer-predisposing syndrome. Last evaluated: 2018-08-01. Review status: criteria provided, single submitter. Criteria: ACMG Guidelines, 2015. Collection method: clinical testing. Allele origin: germline.

NM_000059.4(BRCA2):c.3608G>A (p.Ser1203Asn)

Gene: BRCA2 (BRCA2 DNA repair associated; plus strand). Cytogenetic location: 13q13.1.
Variant type: single nucleotide variant.
Coding change: c.3608G>A on transcript NM_000059.4 (MANE Select); coding-DNA position 3608, G replaced by A.
Protein change: p.Ser1203Asn; replaces serine 1203 with asparagine.
Molecular consequence: missense variant.
Genome position (GRCh38, 1-based): chr13:32,337,963, G>A. VCF-style: chr13-32337963-G-A. GRCh37 (hg19) VCF-style: chr13-32912100-G-A.
Other names: short protein forms S1203N.
Identifiers: ClinVar variation 584511 (VCV000584511.13), dbSNP rs745817393, ClinGen allele CA247505427.